The following is an entry in ClinVar:

NM_014233.4(UBTF):c.1847A>G (p.Lys616Arg)

Genes: UBTF (upstream binding transcription factor; minus strand), ATXN7L3-AS1 (ATXN7L3 antisense RNA 1; plus strand). Cytogenetic location: 17q21.31.
Variant type: single nucleotide variant.
Coding change: c.1847A>G on transcript NM_014233.4 (MANE Select); coding-DNA position 1847, A replaced by G.
Protein change: p.Lys616Arg; replaces lysine 616 with arginine.
Molecular consequence: missense variant. On other transcripts: non-coding transcript variant (1).
Genome position (GRCh38, 1-based): chr17:44,209,410, T>C on the plus strand (A>G on the coding strand, the complement: UBTF is on the minus strand). VCF-style: chr17-44209410-T-C. GRCh37 (hg19) VCF-style: chr17-42286778-T-C.
Other names: c.1736A>G, p.Lys579Arg (NM_001076683.2, NM_001076684.3); short protein forms K579R, K616R.
Identifiers: ClinVar variation 4883323 (VCV004883323.2).

ClinVar aggregate classification (germline): Uncertain significance (1 of 4 stars; one submission).

Conditions:
Childhood-onset motor and cognitive regression syndrome with extrapyramidal movement disorder. Also called: NEURODEGENERATION, CHILDHOOD-ONSET, WITH BRAIN ATROPHY. Identifiers: Orphanet 500180, MedGen C4540086, MONDO:0044701, OMIM 617672.

gnomAD v4.1: 1 of 1,614,106 alleles (0.000062%); highest among the groups gnomAD compares: Admixed American, 0.0017%; no homozygotes.

Submission:

Dasa
Classification: Uncertain significance for Childhood-onset motor and cognitive regression syndrome with extrapyramidal movement disorder. Last evaluated: 2026-04-15. Review status: criteria provided, single submitter. Criteria: DASA Assertion Criteria. Collection method: clinical testing. Allele origin: germline.
Comment: NM_014233.4(UBTF):c.1847A>G (p.Lys616Arg) is a missense variant that results in the substitution of lysine with arginine. This variant is rare in population databases. The currently available literature and clinical evidence are not sufficient to establish a definitive association between this variant and the reported condition. Therefore, this variant is classified as a variant of uncertain significance.